The following is an entry in ClinVar:

NM_004301.5(ACTL6A):c.477-2A>G

Gene: ACTL6A (actin like 6A; plus strand). Cytogenetic location: 3q26.33.
Variant type: single nucleotide variant.
Coding change: c.477-2A>G on transcript NM_004301.5 (MANE Select); the canonical splice acceptor site of the intron before coding-DNA position 477, A replaced by G.
Molecular consequence: splice acceptor variant.
Genome position (GRCh38, 1-based): chr3:179,576,215, A>G. VCF-style: chr3-179576215-A-G. GRCh37 (hg19) VCF-style: chr3-179294003-A-G.
Other names: c.351-2A>G (NM_178042.4, NM_177989.4).
Identifiers: ClinVar variation 3370084 (VCV003370084.1).

ClinVar aggregate classification (germline): Uncertain significance (1 of 4 stars; one submission).

Submission:

GeneDx
Classification: Uncertain significance. Last evaluated: 2023-12-31. Review status: criteria provided, single submitter. Criteria: GeneDx Variant Classification Process June 2021. Collection method: clinical testing. Allele origin: germline. Affected: yes.
Comment: Canonical splice site variant in a gene or region of a gene for which loss of function is not a well-established mechanism of disease; Not observed at significant frequency in large population cohorts (gnomAD); Has not been previously published as pathogenic or benign to our knowledge